The following is an entry in ClinVar:

ClinVar aggregate classification (germline): Uncertain significance (1 of 4 stars; one submission).

Conditions:
Combined oxidative phosphorylation defect type 14. Also called: Combined oxidative phosphorylation deficiency 14. Identifiers: Orphanet 319519, MedGen C4755312, MONDO:0013986, OMIM 614946.

Submission:

Labcorp Genetics (formerly Invitae), Labcorp
Classification: Uncertain significance for Combined oxidative phosphorylation defect type 14. Last evaluated: 2021-12-08. Review status: criteria provided, single submitter. Criteria: Invitae Variant Classification Sherloc (09022015). Collection method: clinical testing. Allele origin: germline.
Comment: This sequence change replaces alanine, which is neutral and non-polar, with threonine, which is neutral and polar, at codon 436 of the FARS2 protein (p.Ala436Thr). This variant is not present in population databases (gnomAD no frequency). This variant has not been reported in the literature in individuals affected with FARS2-related conditions. Advanced modeling of protein sequence and biophysical properties (such as structural, functional, and spatial information, amino acid conservation, physicochemical variation, residue mobility, and thermodynamic stability) performed at Invitae indicates that this missense variant is not expected to disrupt FARS2 protein function. In summary, the available evidence is currently insufficient to determine the role of this variant in disease. Therefore, it has been classified as a Variant of Uncertain Significance.

NM_006567.5(FARS2):c.1306G>A (p.Ala436Thr)

Gene: FARS2 (phenylalanyl-tRNA synthetase 2, mitochondrial; plus strand). Cytogenetic location: 6p25.1.
Variant type: single nucleotide variant.
Coding change: c.1306G>A on transcript NM_006567.5 (MANE Select); coding-DNA position 1306, G replaced by A.
Protein change: p.Ala436Thr; replaces alanine 436 with threonine.
Molecular consequence: missense variant.
Genome position (GRCh38, 1-based): chr6:5,771,379, G>A. VCF-style: chr6-5771379-G-A. GRCh37 (hg19) VCF-style: chr6-5771612-G-A.
Other names: c.1306G>A, p.Ala436Thr (NM_001318872.2, NM_001374875.1, NM_001374876.1 and 4 more transcripts); c.1174G>A, p.Ala392Thr (NM_001375258.1); c.610G>A, p.Ala204Thr (NM_001375259.1, NM_001375260.1); short protein forms A392T, A204T, A436T.
Identifiers: ClinVar variation 1419002 (VCV001419002.6), dbSNP rs1195724097, ClinGen allele CA362737516.